The following is an entry in ClinVar:

ClinVar aggregate classification (germline): Uncertain significance (1 of 4 stars; one submission).

Conditions:
Pyogenic bacterial infections due to MyD88 deficiency (IMD68). Also called: PYOGENIC BACTERIAL INFECTIONS, RECURRENT, DUE TO MYD88 DEFICIENCY. Identifiers: Orphanet 183713, MedGen C2677092, MONDO:0012839, OMIM 612260.

Allele frequency attached by ClinVar (database versions not stated): gnomAD 0.00001; gnomAD exomes 0.00003; ExAC 0.00004.
gnomAD v4.1: 45 of 1,613,630 alleles (0.0028%); highest among the groups gnomAD compares: Non-Finnish European, 0.0036%; no homozygotes.

Submission:

Labcorp Genetics (formerly Invitae), Labcorp
Classification: Uncertain significance for Pyogenic bacterial infections due to MyD88 deficiency. Last evaluated: 2025-10-10. Review status: criteria provided, single submitter. Criteria: Invitae Variant Classification Sherloc (09022015). Collection method: clinical testing. Allele origin: germline.
Comment: This sequence change replaces valine, which is neutral and non-polar, with methionine, which is neutral and non-polar, at codon 52 of the MYD88 protein (p.Val52Met). This variant is present in population databases (rs770387646, gnomAD 0.006%). This variant has not been reported in the literature in individuals affected with MYD88-related conditions. ClinVar contains an entry for this variant (Variation ID: 1469134). An algorithm developed to predict the effect of missense changes on protein structure and function (PolyPhen-2) suggests that this variant is likely to be tolerated. In summary, the available evidence is currently insufficient to determine the role of this variant in disease. Therefore, it has been classified as a Variant of Uncertain Significance.

NM_002468.5(MYD88):c.115G>A (p.Val39Met)

Gene: MYD88 (MYD88 innate immune signal transduction adaptor; plus strand). Cytogenetic location: 3p22.2.
Variant type: single nucleotide variant.
Coding change: c.115G>A on transcript NM_002468.5 (MANE Select); coding-DNA position 115, G replaced by A.
Protein change: p.Val39Met; replaces valine 39 with methionine.
Molecular consequence: missense variant.
Genome position (GRCh38, 1-based): chr3:38,138,815, G>A. VCF-style: chr3-38138815-G-A. GRCh37 (hg19) VCF-style: chr3-38180306-G-A.
Other names: c.115G>A, p.Val39Met (NM_001172566.2, NM_001172567.2, NM_001172568.2 and 4 more transcripts); short protein forms V39M.
Identifiers: ClinVar variation 1469134 (VCV001469134.4), dbSNP rs770387646, ClinGen allele CA2316035.
Genomic context (GRCh38, chr3:38,138,815, plus strand): 5'-TCCCTTCCCCTGGCTGCTCTCAACATGCGAGTGCGGCGCCGCCTGTCTCTGTTCTTGAAC[G>A]TGCGGACACAGGTGGCGGCCGACTGGACCGCGCTGGCGGAGGAGATGGACTTTGAGTACT-3'
Protein context (NP_002459.3, residues 29-49): VRRRLSLFLN[Val39Met]RTQVAADWTA